The following is an entry in ClinVar:

NM_004168.4(SDHA):c.1935C>T (p.Ile645=)

Gene: SDHA (succinate dehydrogenase complex flavoprotein subunit A; plus strand). Cytogenetic location: 5p15.33.
Variant type: single nucleotide variant.
Coding change: c.1935C>T on transcript NM_004168.4 (MANE Select); coding-DNA position 1935, C replaced by T.
Protein change: p.Ile645=; no amino-acid change (isoleucine 645 retained).
Molecular consequence: synonymous variant.
Genome position (GRCh38, 1-based): chr5:256,360, C>T. VCF-style: chr5-256360-C-T. GRCh37 (hg19) VCF-style: chr5-256475-C-T.
Other names: c.1791C>T, p.Ile597= (NM_001294332.2); c.1692C>T, p.Ile564= (NM_001330758.2).
Identifiers: ClinVar variation 472376 (VCV000472376.18), dbSNP rs762128553, ClinGen allele CA3173464.
Genomic context (GRCh38, chr5:256,360, plus strand): 5'-TGTGCTTAACTTACCACTGACTCTTCTTTTCAAGGTCACTCTGGAATATAGACCCGTGAT[C>T]GACAAAACTTTGAACGAGGCTGACTGTGCCACCGTCCCGCCAGCCATTCGCTCCTACTGA-3'
Protein context (NP_004159.2, residues 635-655): GKVTLEYRPV[Ile645=]DKTLNEADCA

ClinVar aggregate classification (germline): Benign/Likely benign. Review status: criteria provided, multiple submitters, no conflicts (2 of 4 stars). 4 submissions from 4 submitters: Benign (1); Likely benign (3). Last evaluated 2026-01-21.

Conditions:
Mitochondrial complex II deficiency, nuclear type 1. Also called: SUCCINATE CoQ REDUCTASE DEFICIENCY. Identifiers: Orphanet 3208, MedGen C5700310, MONDO:0100294, OMIM 252011.
Pheochromocytoma/paraganglioma syndrome 5. Also called: Paragangliomas 5; SDHA-Related Hereditary Paraganglioma-Pheochromocytoma Syndrome. Identifiers: Orphanet 29072, MedGen C3279992, MONDO:0013602, OMIM 614165.
Hereditary cancer-predisposing syndrome. Also called: Neoplastic Syndromes, Hereditary; Hereditary Cancer Syndrome; Hereditary neoplastic syndrome; Tumor predisposition. Identifiers: Orphanet 140162, MedGen C0027672, MeSH D009386, MONDO:0015356.

Allele frequency attached by ClinVar (database versions not stated): TOPMed 0.00001.
gnomAD v4.1: 9 of 1,613,658 alleles (0.00056%); highest among the groups gnomAD compares: East Asian, 0.0022%; no homozygotes.

Submissions (4):

Labcorp Genetics (formerly Invitae), Labcorp
Classification: Likely benign for Pheochromocytoma/paraganglioma syndrome 5; Mitochondrial complex II deficiency, nuclear type 1. Last evaluated: 2026-01-21. Review status: criteria provided, single submitter. Criteria: Invitae Variant Classification Sherloc (09022015). Collection method: clinical testing. Allele origin: germline.

Quest Diagnostics Nichols Institute San Juan Capistrano
Classification: Likely benign. Last evaluated: 2025-07-22. Review status: criteria provided, single submitter. Criteria: Quest Diagnostics criteria. Collection method: clinical testing. Allele origin: unknown.

Myriad Genetics, Inc.
Classification: Benign for Pheochromocytoma/paraganglioma syndrome 5. Last evaluated: 2025-03-11. Review status: criteria provided, single submitter. Criteria: Myriad Autosomal Dominant, Autosomal Recessive and X-Linked Classification Criteria (2023). Collection method: clinical testing. Allele origin: unknown.
Comment: This variant is considered benign. This variant is a silent/synonymous amino acid change and it is not expected to impact splicing.

Ambry Genetics
Classification: Likely benign for Hereditary cancer-predisposing syndrome. Last evaluated: 2018-03-01. Review status: criteria provided, single submitter. Criteria: Ambry Variant Classification Scheme 2023. Collection method: clinical testing. Allele origin: germline.